The following is an entry in ClinVar:

NM_012418.4(FSCN2):c.1454C>A (p.Ala485Asp)

Gene: FSCN2 (fascin actin-bundling protein 2, retinal; plus strand). Cytogenetic location: 17q25.3.
Variant type: single nucleotide variant.
Coding change: c.1454C>A on transcript NM_012418.4 (MANE Select); coding-DNA position 1454, C replaced by A.
Protein change: p.Ala485Asp; replaces alanine 485 with aspartic acid.
Molecular consequence: missense variant.
Genome position (GRCh38, 1-based): chr17:81,537,055, C>A. VCF-style: chr17-81537055-C-A. GRCh37 (hg19) VCF-style: chr17-79504081-C-A.
Other names: c.1526C>A, p.Ala509Asp (NM_001077182.3); short protein forms A485D, A509D.
Identifiers: ClinVar variation 3621926 (VCV003621926.2).

ClinVar aggregate classification (germline): Uncertain significance (1 of 4 stars; one submission).

Submission:

Labcorp Genetics (formerly Invitae), Labcorp
Classification: Uncertain significance. Last evaluated: 2025-12-20. Review status: criteria provided, single submitter. Criteria: Invitae Variant Classification Sherloc (09022015). Collection method: clinical testing. Allele origin: germline.
Comment: This sequence change replaces alanine, which is neutral and non-polar, with aspartic acid, which is acidic and polar, at codon 509 of the FSCN2 protein (p.Ala509Asp). This variant is not present in population databases (gnomAD no frequency). This variant has not been reported in the literature in individuals affected with FSCN2-related conditions. ClinVar contains an entry for this variant (Variation ID: 3621926). An algorithm developed to predict the effect of missense changes on protein structure and function (PolyPhen-2) suggests that this variant is likely to be tolerated. In summary, the available evidence is currently insufficient to determine the role of this variant in disease. Therefore, it has been classified as a Variant of Uncertain Significance.